The following is an entry in ClinVar:

NM_000760.4(CSF3R):c.815C>A (p.Pro272Gln)

Gene: CSF3R (colony stimulating factor 3 receptor; minus strand). Cytogenetic location: 1p34.3.
Variant type: single nucleotide variant.
Coding change: c.815C>A on transcript NM_000760.4 (MANE Select); coding-DNA position 815, C replaced by A.
Protein change: p.Pro272Gln; replaces proline 272 with glutamine.
Molecular consequence: missense variant.
Genome position (GRCh38, 1-based): chr1:36,472,545, G>T on the plus strand (C>A on the coding strand, the complement: CSF3R is on the minus strand). VCF-style: chr1-36472545-G-T. GRCh37 (hg19) VCF-style: chr1-36938146-G-T.
Other names: c.815C>A (NM_000760.3); c.815C>A, p.Pro272Gln (NM_156039.3, NM_172313.3); short protein forms P272Q.
Identifiers: ClinVar variation 1462987 (VCV001462987.7), dbSNP rs367774391, ClinGen allele CA769382.

ClinVar aggregate classification (germline): Uncertain significance. Review status: criteria provided, multiple submitters, no conflicts (2 of 4 stars). 2 submissions from 2 submitters: Uncertain significance (2). Last evaluated 2024-04-23.

Conditions:
Autosomal recessive severe congenital neutropenia due to CSF3R deficiency. Also called: Neutropenia, severe congenital, 7, autosomal recessive. Identifiers: Orphanet 420702, MedGen C4310764, MONDO:0014865, OMIM 617014.
Inborn genetic diseases. Identifiers: MedGen C0950123, MeSH D030342.

gnomAD v4.1: 4 of 1,614,072 alleles (0.00025%); highest among the groups gnomAD compares: East Asian, 0.0089%; no homozygotes.

Submissions (2):

Ambry Genetics
Classification: Uncertain significance for Inborn genetic diseases. Last evaluated: 2024-04-23. Review status: criteria provided, single submitter. Criteria: Ambry Variant Classification Scheme 2023. Collection method: clinical testing. Allele origin: germline.

Labcorp Genetics (formerly Invitae), Labcorp
Classification: Uncertain significance for Autosomal recessive severe congenital neutropenia due to CSF3R deficiency. Last evaluated: 2021-08-18. Review status: criteria provided, single submitter. Criteria: Invitae Variant Classification Sherloc (09022015). Collection method: clinical testing. Allele origin: germline.
Comment: In summary, the available evidence is currently insufficient to determine the role of this variant in disease. Therefore, it has been classified as a Variant of Uncertain Significance. Algorithms developed to predict the effect of missense changes on protein structure and function are either unavailable or do not agree on the potential impact of this missense change (SIFT: "Tolerated"; PolyPhen-2: "Possibly Damaging"; Align-GVGD: "Class C0"). This variant has not been reported in the literature in individuals affected with CSF3R-related conditions. This variant is present in population databases (rs367774391, ExAC 0.03%). This sequence change replaces proline with glutamine at codon 272 of the CSF3R protein (p.Pro272Gln). The proline residue is moderately conserved and there is a moderate physicochemical difference between proline and glutamine.